The following is an entry in ClinVar:

NM_000321.3(RB1):c.2517C>T (p.Phe839=)

Gene: RB1 (RB transcriptional corepressor 1; plus strand). Cytogenetic location: 13q14.2.
Variant type: single nucleotide variant.
Coding change: c.2517C>T on transcript NM_000321.3 (MANE Select); coding-DNA position 2517, C replaced by T.
Protein change: p.Phe839=; no amino-acid change (phenylalanine 839 retained).
Molecular consequence: synonymous variant.
Genome position (GRCh38, 1-based): chr13:48,473,387, C>T. VCF-style: chr13-48473387-C-T. GRCh37 (hg19) VCF-style: chr13-49047523-C-T.
Identifiers: ClinVar variation 458152 (VCV000458152.19), dbSNP rs759188465, ClinGen allele CA035947.

ClinVar aggregate classification (germline): Likely benign. Review status: criteria provided, multiple submitters, no conflicts (2 of 4 stars). 4 submissions from 4 submitters: Likely benign (4). Last evaluated 2025-10-09.

Conditions:
Hereditary cancer-predisposing syndrome. Also called: Neoplastic Syndromes, Hereditary; Tumor predisposition; Hereditary Cancer Syndrome; Hereditary neoplastic syndrome. Identifiers: Orphanet 140162, MedGen C0027672, MeSH D009386, MONDO:0015356.
Retinoblastoma (RB1). Also called: RETINOBLASTOMA, SOMATIC. Identifiers: Orphanet 790, MedGen C0035335, MeSH D012175, MONDO:0008380, OMIM 180200, HP:0009919. Disease mechanism: loss of function. Inheritance: Both sporadic and heritable forms are tested..

Allele frequency attached by ClinVar (database versions not stated): gnomAD exomes 0.00001; ExAC 0.00002; TOPMed 0.00003.
gnomAD v4.1: 11 of 1,562,154 alleles (0.0007%); highest among the groups gnomAD compares: Admixed American, 0.0017%; no homozygotes.

Submissions (4):

Labcorp Genetics (formerly Invitae), Labcorp
Classification: Likely benign for Retinoblastoma. Last evaluated: 2025-10-09. Review status: criteria provided, single submitter. Criteria: Invitae Variant Classification Sherloc (09022015). Collection method: clinical testing. Allele origin: germline.

All of Us Research Program, National Institutes of Health
Classification: Likely benign for Retinoblastoma. Last evaluated: 2023-12-13. Review status: criteria provided, single submitter. Criteria: ACMG Guidelines, 2015. Collection method: clinical testing. Allele origin: germline. Inheritance: Autosomal dominant inheritance. Observed: 6 variant alleles, 6 heterozygotes.
Comment: This study involves interpretation of variants in research participants for the purpose of population health screening. Participant phenotype was not available at the time of variant classification. Additional details can be found in publication PMID: 35346344, PMCID: PMC8962531

Color Diagnostics, LLC DBA Color Health
Classification: Likely benign for Retinoblastoma. Last evaluated: 2022-05-04. Review status: criteria provided, single submitter. Criteria: ACMG Guidelines, 2015. Collection method: clinical testing. Allele origin: germline.

Ambry Genetics
Classification: Likely benign for Hereditary cancer-predisposing syndrome. Last evaluated: 2018-10-10. Review status: criteria provided, single submitter. Criteria: Ambry Variant Classification Scheme 2023. Collection method: clinical testing. Allele origin: germline.